The following is an entry in ClinVar:

ClinVar aggregate classification (germline): Likely pathogenic (1 of 4 stars; one submission).

Conditions:
Propionic acidemia (PROP). Also called: GLYCINEMIA, KETOTIC; HYPERGLYCINEMIA WITH KETOACIDOSIS AND LEUKOPENIA; KETOTIC HYPERGLYCINEMIA. Identifiers: Orphanet 35, MedGen C0268579, MONDO:0011628, OMIM 606054, HP:0003571.

Submission:

Myriad Genetics, Inc.
Classification: Likely pathogenic for Propionic acidemia. Last evaluated: 2022-03-31. Review status: criteria provided, single submitter. Criteria: Myriad Women's Health Autosomal Recessive and X-Linked Classification Criteria (2021). Collection method: clinical testing. Allele origin: unknown.
Comment: NM_000532.4(PCCB):c.1095C>A(C365*) is expected to be pathogenic in the context of PCCB-related propionic acidemia. This variant is predicted to lead to an abnormal or absent protein product due to the creation of a premature termination codon in PCCB, a gene where loss-of-function variants are known to be pathogenic. Please note: this variant was assessed in the context of healthy population screening.

NM_000532.5(PCCB):c.1095C>A (p.Cys365Ter)

Gene: PCCB (propionyl-CoA carboxylase subunit beta; plus strand). Cytogenetic location: 3q22.3.
Variant type: single nucleotide variant.
Coding change: c.1095C>A on transcript NM_000532.5 (MANE Select); coding-DNA position 1095, C replaced by A.
Protein change: p.Cys365Ter; replaces cysteine 365 with a stop codon.
Molecular consequence: nonsense.
Genome position (GRCh38, 1-based): chr3:136,326,807, C>A. VCF-style: chr3-136326807-C-A. GRCh37 (hg19) VCF-style: chr3-136045649-C-A.
Other names: c.1155C>A, p.Cys385Ter (NM_001178014.2); short protein forms C365*, C385*.
Identifiers: ClinVar variation 1725691 (VCV001725691.2), dbSNP rs2529970250, ClinGen allele CA354648393.